The following is an entry in ClinVar:

ClinVar aggregate classification (germline): Likely benign. Review status: criteria provided, multiple submitters, no conflicts (2 of 4 stars). 5 submissions from 5 submitters: Likely benign (4). 1 of the submissions does not count toward it. Last evaluated 2024-04-25.

Allele frequency attached by ClinVar (database versions not stated): TOPMed 0.00005.
gnomAD v4.1: 29 of 1,613,772 alleles (0.0018%); highest among the groups gnomAD compares: Non-Finnish European, 0.0024%; no homozygotes.

Submissions (5):

Women's Health and Genetics/Laboratory Corporation of America, LabCorp
Classification: Likely benign. Last evaluated: 2024-04-25. Review status: criteria provided, single submitter. Criteria: LabCorp Variant Classification Summary - May 2015. Collection method: clinical testing. Allele origin: germline.

Labcorp Genetics (formerly Invitae), Labcorp
Classification: Likely benign. Last evaluated: 2023-12-09. Review status: criteria provided, single submitter. Criteria: Invitae Variant Classification Sherloc (09022015). Collection method: clinical testing. Allele origin: germline.

Blueprint Genetics
Classification: Likely benign. Last evaluated: 2019-11-12. Review status: criteria provided, single submitter. Criteria: ACMG Guidelines, 2015. Collection method: clinical testing. Allele origin: germline.

GeneDx
Classification: Likely benign. Last evaluated: 2016-02-17. Review status: criteria provided, single submitter. Criteria: GeneDx Variant Classification (06012015). Collection method: clinical testing. Allele origin: germline. Affected: yes.
Comment: This variant is considered likely benign or benign based on one or more of the following criteria: it is a conservative change, it occurs at a poorly conserved position in the protein, it is predicted to be benign by multiple in silico algorithms, and/or has population frequency not consistent with disease.

NEI Ophthalmic Genomics Laboratory, National Institutes of Health
No classification provided. Review status: no classification provided. Collection method: not provided. Allele origin: not provided. Not counted in ClinVar's aggregate classification.

NM_032119.4(ADGRV1):c.16308C>A (p.Thr5436=)

Gene: ADGRV1 (adhesion G protein-coupled receptor V1; plus strand). Cytogenetic location: 5q14.3.
Variant type: single nucleotide variant.
Coding change: c.16308C>A on transcript NM_032119.4 (MANE Select); coding-DNA position 16308, C replaced by A.
Protein change: p.Thr5436=; no amino-acid change (threonine 5436 retained).
Molecular consequence: synonymous variant. On other transcripts: non-coding transcript variant (1).
Genome position (GRCh38, 1-based): chr5:90,823,536, C>A. VCF-style: chr5-90823536-C-A. GRCh37 (hg19) VCF-style: chr5-90119353-C-A.
Identifiers: ClinVar variation 100601 (VCV000100601.7), dbSNP rs137853917, ClinGen allele CA228945.